The following is an entry in ClinVar:

ClinVar aggregate classification (germline): Uncertain significance (1 of 4 stars; one submission).

Conditions:
Emery-Dreifuss muscular dystrophy 4, autosomal dominant (EDMD4). Also called: EMERY-DREIFUSS MUSCULAR DYSTROPHY 4 WITH VARIABLE FEATURES. Identifiers: Orphanet 261, MedGen C2751807, MONDO:0013071, OMIM 612998.

gnomAD v4.1: 10 of 1,614,044 alleles (0.00062%); highest among the groups gnomAD compares: South Asian, 0.0099%; no homozygotes.

Submission:

Neuberg Centre For Genomic Medicine, NCGM
Classification: Uncertain significance for Emery-Dreifuss muscular dystrophy 4, autosomal dominant. Last evaluated: 2023-05-20. Review status: criteria provided, single submitter. Criteria: ACMG Guidelines, 2015. Collection method: clinical testing. Allele origin: germline. Inheritance: Autosomal dominant inheritance. Affected: yes.
Comment: The observed missense variant c.8233T>A(p.Leu2745Met) in SYNE1 gene has not been reported previously as a pathogenic variant nor as a benign variant, to our knowledge. The c.8233T>A variant is absent in gnomAD Exomes. The amino acid Leucine at position 2745 is changed to a Methionine changing protein sequence and it might alter its composition and physico-chemical properties. Computational evidence (Polyphen, SIFT and Mutation Taster) predicts conflicting evidence on protein structure and function for this variant. For these reasons, this variant has been classified as Uncertain Significance.

NM_182961.4(SYNE1):c.8233T>A (p.Leu2745Met)

Gene: SYNE1 (spectrin repeat containing nuclear envelope protein 1; minus strand). Cytogenetic location: 6q25.2.
Variant type: single nucleotide variant.
Coding change: c.8233T>A on transcript NM_182961.4 (MANE Select); coding-DNA position 8233, T replaced by A.
Protein change: p.Leu2745Met; replaces leucine 2745 with methionine.
Molecular consequence: missense variant.
Genome position (GRCh38, 1-based): chr6:152,387,326, A>T on the plus strand (T>A on the coding strand, the complement: SYNE1 is on the minus strand). VCF-style: chr6-152387326-A-T. GRCh37 (hg19) VCF-style: chr6-152708461-A-T.
Other names: c.8254T>A, p.Leu2752Met (NM_033071.5); short protein forms L2745M, L2752M.
Identifiers: ClinVar variation 3367008 (VCV003367008.1).